The following is an entry in ClinVar:

NM_001035.3(RYR2):c.7966-1G>C

Gene: RYR2 (ryanodine receptor 2; plus strand). Cytogenetic location: 1q43.
Variant type: single nucleotide variant.
Coding change: c.7966-1G>C on transcript NM_001035.3 (MANE Select); the canonical splice acceptor site of the intron before coding-DNA position 7966, G replaced by C.
Molecular consequence: splice acceptor variant.
Genome position (GRCh38, 1-based): chr1:237,655,820, G>C. VCF-style: chr1-237655820-G-C. GRCh37 (hg19) VCF-style: chr1-237819120-G-C.
Identifiers: ClinVar variation 463642 (VCV000463642.8), dbSNP rs1553270488, ClinGen allele CA345400659.

ClinVar aggregate classification (germline): Uncertain significance (1 of 4 stars; one submission).

Conditions:
Catecholaminergic polymorphic ventricular tachycardia 1. Also called: VENTRICULAR TACHYCARDIA, STRESS-INDUCED POLYMORPHIC 1; VENTRICULAR TACHYCARDIA, CATECHOLAMINERGIC POLYMORPHIC, 1, WITH OR WITHOUT ATRIAL DYSFUNCTION AND/OR DILATED CARDIOMYOPATHY; RYR2-Related Catecholaminergic Polymorphic Ventricular Tachycardia. Identifiers: Orphanet 3286, MedGen C1631597, MONDO:0011484, OMIM 604772.

Allele frequency attached by ClinVar (database versions not stated): gnomAD exomes below 0.00001.
gnomAD v4.1: 1 of 1,576,178 alleles (0.000063%); highest among the groups gnomAD compares: Non-Finnish European, 0.000086%; no homozygotes.

Submission:

Labcorp Genetics (formerly Invitae), Labcorp
Classification: Uncertain significance for Catecholaminergic polymorphic ventricular tachycardia 1. Last evaluated: 2022-08-28. Review status: criteria provided, single submitter. Criteria: Invitae Variant Classification Sherloc (09022015). Collection method: clinical testing. Allele origin: germline.
Comment: Algorithms developed to predict the effect of sequence changes on RNA splicing suggest that this variant may disrupt the consensus splice site. This sequence change affects an acceptor splice site in intron 52 of the RYR2 gene. It is expected to disrupt RNA splicing. Variants that disrupt the donor or acceptor splice site typically lead to a loss of protein function (PMID: 16199547), however the current clinical and genetic evidence is not sufficient to establish whether loss-of-function variants in RYR2 cause disease. This variant is not present in population databases (gnomAD no frequency). This variant has not been reported in the literature in individuals affected with RYR2-related conditions. ClinVar contains an entry for this variant (Variation ID: 463642). In summary, the available evidence is currently insufficient to determine the role of this variant in disease. Therefore, it has been classified as a Variant of Uncertain Significance.

Literature cited by the submitters: PubMed 16199547.